The following is an entry in ClinVar:

NM_006087.4(TUBB4A):c.898A>G (p.Met300Val)

Gene: TUBB4A (tubulin beta 4A class IVa; minus strand). Cytogenetic location: 19p13.3.
Variant type: single nucleotide variant.
Coding change: c.898A>G on transcript NM_006087.4 (MANE Select); coding-DNA position 898, A replaced by G.
Protein change: p.Met300Val; replaces methionine 300 with valine.
Molecular consequence: missense variant.
Genome position (GRCh38, 1-based): chr19:6,495,601, T>C on the plus strand (A>G on the coding strand, the complement: TUBB4A is on the minus strand). VCF-style: chr19-6495601-T-C. GRCh37 (hg19) VCF-style: chr19-6495612-T-C.
Other names: c.1051A>G, p.Met351Val (NM_001289123.2); c.1033A>G, p.Met345Val (NM_001289127.2); c.898A>G, p.Met300Val (NM_001289129.2); c.682A>G, p.Met228Val (NM_001289130.2, NM_001289131.2); short protein forms M228V, M300V, M345V, M351V.
Identifiers: ClinVar variation 4533373 (VCV004533373.2).

ClinVar aggregate classification (germline): Likely pathogenic (0 of 4 stars; one submission).

Conditions:
Hereditary spastic paraplegia. Also called: Familial spastic paraparesis. Identifiers: Orphanet 685, MedGen C0037773, MONDO:0019064. Disease mechanism: loss of function.

Submission:

Genetic Foundation of Khorasan Razavi (GFKR)
Classification: Likely pathogenic for Hereditary spastic paraplegia. Last evaluated: 2026-11-07. Review status: no assertion criteria provided. Criteria: Submitter's publication. Collection method: clinical testing. Allele origin: de novo. Inheritance: Autosomal dominant inheritance. Affected: yes. Observed: 1 variant allele, 1 heterozygote.
Comment: This variant meets ACMG criteria for Likely Pathogenic based on the following evidence: PS2_Moderate: The variant occurred de novo in an affected individual with a phenotype consistent with TUBB4A-related disease, including spastic paraparesis, cerebellar atrophy, nystagmus, dysarthria, tremor, and neurodevelopmental delay. The variant was absent in both parents by Sanger sequencing, with genetically confirmed maternity and paternity. PM2_Supporting: The variant is absent from gnomAD population databases. PM1_Supporting: The variant is located in a missense variant-enriched region of TUBB4A, with 11 reported pathogenic or likely pathogenic variants within a surrounding 246-bp region and no reported benign missense variants. PP2: Missense variants are an established disease mechanism for TUBB4A, which demonstrates significant constraint against missense variation (gnomAD missense Z-score: 4.2623). PP3: Computational evidence supports a deleterious effect on the gene product (Franklin aggregated prediction score: 0.733).